The following is an entry in ClinVar:

ClinVar aggregate classification (germline): Likely pathogenic (1 of 4 stars; one submission).

Conditions:
Aneurysm-osteoarthritis syndrome. Also called: SMAD3-Related Loeys-Dietz Syndrome; ANEURYSMS-OSTEOARTHRITIS SYNDROME; Loeys-Dietz syndrome, type 1C; LOEYS-DIETZ SYNDROME WITH OSTEOARTHRITIS. Identifiers: Orphanet 284984, MedGen C3151087, MONDO:0013426, OMIM 613795.

Submission:

Clinical Genetics Laboratory, Region Ostergotland
Classification: Likely pathogenic for Aneurysm-osteoarthritis syndrome. Last evaluated: 2021-04-29. Review status: criteria provided, single submitter. Criteria: ACMG Guidelines, 2015. Collection method: clinical testing. Allele origin: unknown. Affected: yes. Observed: 1 variant allele.
Comment: PM2, PP3, PP1_strong

Literature cited by the submitters: PubMed 32022471.

NM_005902.4(SMAD3):c.1157G>C (p.Arg386Thr)

Gene: SMAD3 (SMAD family member 3; plus strand). Cytogenetic location: 15q22.33.
Variant type: single nucleotide variant.
Coding change: c.1157G>C on transcript NM_005902.4 (MANE Select); coding-DNA position 1157, G replaced by C.
Protein change: p.Arg386Thr; replaces arginine 386 with threonine.
Molecular consequence: missense variant.
Genome position (GRCh38, 1-based): chr15:67,190,415, G>C. VCF-style: chr15-67190415-G-C. GRCh37 (hg19) VCF-style: chr15-67482753-G-C.
Other names: c.842G>C, p.Arg281Thr (NM_001145102.2); c.1025G>C, p.Arg342Thr (NM_001145103.2); c.572G>C, p.Arg191Thr (NM_001145104.2); short protein forms R386T, R281T, R191T, R342T.
Identifiers: ClinVar variation 625861 (VCV000625861.6), dbSNP rs1567005489, ClinGen allele CA392958614.